The following is an entry in ClinVar:

ClinVar aggregate classification (germline): Likely benign. Review status: criteria provided, multiple submitters, no conflicts (2 of 4 stars). 2 submissions from 2 submitters: Likely benign (2). Last evaluated 2024-10-04.

Allele frequency attached by ClinVar (database versions not stated): gnomAD exomes 0.00013 and 0.00035; ExAC 0.00044; 1000 Genomes Project 0.00120; gnomAD 0.00139 and 0.00154; TOPMed 0.00153; 1000 Genomes Project 30x 0.00156.
gnomAD v4.1: 417 of 1,602,778 alleles (0.026%); highest among the groups gnomAD compares: African/African-American, 0.47%; no homozygotes.

Submissions (2):

Blueprint Genetics
Classification: Likely benign. Last evaluated: 2024-10-04. Review status: criteria provided, single submitter. Criteria: ACMG Guidelines, 2015. Collection method: clinical testing. Allele origin: germline.

GeneDx
Classification: Likely benign. Last evaluated: 2017-05-01. Review status: criteria provided, single submitter. Criteria: GeneDx Variant Classification (06012015). Collection method: clinical testing. Allele origin: germline. Affected: yes.
Comment: This variant is considered likely benign or benign based on one or more of the following criteria: it is a conservative change, it occurs at a poorly conserved position in the protein, it is predicted to be benign by multiple in silico algorithms, and/or has population frequency not consistent with disease.

NM_001267550.2(TTN):c.56963-18T>C

Genes: TTN (titin; minus strand), TTN-AS1 (TTN antisense RNA 1; plus strand). Cytogenetic location: 2q31.2.
Variant type: single nucleotide variant.
Coding change: c.56963-18T>C on transcript NM_001267550.2 (MANE Select); 18 bases into the intron before coding-DNA position 56963, T replaced by C.
Molecular consequence: intron variant. On other transcripts: non-coding transcript variant (1).
Genome position (GRCh38, 1-based): chr2:178,598,672, A>G on the plus strand (T>C on the coding strand, the complement: TTN is on the minus strand). VCF-style: chr2-178598672-A-G. GRCh37 (hg19) VCF-style: chr2-179463399-A-G.
Other names: c.29768-18T>C (NM_003319.4); c.30344-18T>C (NM_133437.4); c.30143-18T>C (NM_133432.3); c.49259-18T>C (NM_133378.4); c.52040-18T>C (NM_001256850.1).
Identifiers: ClinVar variation 379182 (VCV000379182.2), dbSNP rs187501574, ClinGen allele CA1993134.
Genomic context (GRCh38, chr2:178,598,672, plus strand): 5'-TTAGTCCAATCTGTCACTTTGGGAAATGGAGGACCAGGAGGGGCTGCAAAGAGCCAGTAT[A>G]CGTTAGTATTCTTGACTTTTCCAAGGCACTTTTGGAAAATAAGATTTAAAAAAAAGGAAT-3'